The following is an entry in ClinVar:

ClinVar aggregate classification (germline): Likely benign. Review status: criteria provided, multiple submitters, no conflicts (2 of 4 stars). 4 submissions from 4 submitters: Likely benign (3). 1 of the submissions does not count toward it. Last evaluated 2025-11-22.

Conditions:
SPG11-related disorder. Also called: SPG11-related condition.
Inborn genetic diseases. Identifiers: MedGen C0950123, MeSH D030342.
Hereditary spastic paraplegia 11. Also called: Nakamura Osame syndrome; Autosomal recessive hereditary spastic paraplegia, mental impairment, and thin corpus callosum; Spastic paraplegia, mental retardation and thin corpus callosum; SPASTIC PARAPLEGIA, AUTOSOMAL RECESSIVE, COMPLICATED, WITH THIN CORPUS CALLOSUM; SPASTIC PARAPLEGIA, AUTOSOMAL RECESSIVE, WITH MENTAL IMPAIRMENT AND THIN CORPUS CALLOSUM; Spastic Paraplegia 11. Identifiers: Orphanet 2822, MedGen C1858479, MONDO:0011445, OMIM 604360.

Allele frequency attached by ClinVar (database versions not stated): gnomAD 0.00005 and 0.00006; TOPMed 0.00006; gnomAD exomes 0.00008; ExAC 0.00010; 1000 Genomes Project 30x 0.00016; 1000 Genomes Project 0.00020; ESP Exome Variant Server 0.00023.
gnomAD v4.1: 200 of 1,611,360 alleles (0.012%); highest among the groups gnomAD compares: Admixed American, 0.018%; no homozygotes.

Submissions (4):

Labcorp Genetics (formerly Invitae), Labcorp
Classification: Likely benign for Hereditary spastic paraplegia 11. Last evaluated: 2025-11-22. Review status: criteria provided, single submitter. Criteria: Invitae Variant Classification Sherloc (09022015). Collection method: clinical testing. Allele origin: germline.

Mayo Clinic Laboratories, Mayo Clinic
Classification: Likely benign. Last evaluated: 2023-04-18. Review status: criteria provided, single submitter. Criteria: ACMG Guidelines, 2015. Collection method: clinical testing. Allele origin: germline. Observed: 3 variant alleles.
Comment: BP4, BP7

Ambry Genetics
Classification: Likely benign for Inborn genetic diseases. Last evaluated: 2019-07-11. Review status: criteria provided, single submitter. Criteria: Ambry Variant Classification Scheme 2023. Collection method: clinical testing. Allele origin: germline.

PreventionGenetics, part of Exact Sciences
Classification: Likely benign for SPG11-related condition. Last evaluated: 2021-03-26. Review status: no assertion criteria provided. Collection method: clinical testing. Allele origin: germline. Not counted in ClinVar's aggregate classification.
Comment: This variant is classified as likely benign based on ACMG/AMP sequence variant interpretation guidelines (Richards et al. 2015 PMID: 25741868, with internal and published modifications).

NM_025137.4(SPG11):c.5361C>T (p.Asp1787=)

Gene: SPG11 (SPG11 vesicle trafficking associated, spatacsin; minus strand). Cytogenetic location: 15q21.1.
Variant type: single nucleotide variant.
Coding change: c.5361C>T on transcript NM_025137.4 (MANE Select); coding-DNA position 5361, C replaced by T.
Protein change: p.Asp1787=; no amino-acid change (aspartic acid 1787 retained).
Molecular consequence: synonymous variant.
Genome position (GRCh38, 1-based): chr15:44,584,319, G>A on the plus strand (C>T on the coding strand, the complement: SPG11 is on the minus strand). VCF-style: chr15-44584319-G-A. GRCh37 (hg19) VCF-style: chr15-44876517-G-A.
Other names: p.Asp1787=; c.5361C>T, p.Asp1787= (NM_001160227.2).
Identifiers: ClinVar variation 534891 (VCV000534891.17), dbSNP rs141421410, ClinGen allele CA7534426.